The following is an entry in ClinVar:

NM_006230.4(POLD2):c.220+4A>C

Gene: POLD2 (DNA polymerase delta 2, accessory subunit; minus strand). Cytogenetic location: 7p13.
Variant type: single nucleotide variant.
Coding change: c.220+4A>C on transcript NM_006230.4 (MANE Select); 4 bases into the intron after coding-DNA position 220, A replaced by C.
Molecular consequence: intron variant.
Genome position (GRCh38, 1-based): chr7:44,121,830, T>G on the plus strand (A>C on the coding strand, the complement: POLD2 is on the minus strand). VCF-style: chr7-44121830-T-G. GRCh37 (hg19) VCF-style: chr7-44161429-T-G.
Other names: c.220+4A>C (NM_001127218.3, NM_001256879.2).
Identifiers: ClinVar variation 2022923 (VCV002022923.4), dbSNP rs2096248548, ClinGen allele CA1703622474.
Genomic context (GRCh38, chr7:44,121,830, plus strand): 5'-CTTGCAGAACACTTCTAAGTTCAGGGATGCTGTGGGGGAAGCACCTTCCCAAACTCTCAC[T>G]TACCCCAGTGCTGCTGGGCCCGGTTCTCCAGGAAGGGTCTCATTTGGATGAGGCGGGTGG-3'

ClinVar aggregate classification (germline): Uncertain significance (1 of 4 stars; one submission).

Submission:

Labcorp Genetics (formerly Invitae), Labcorp
Classification: Uncertain significance. Last evaluated: 2022-08-30. Review status: criteria provided, single submitter. Criteria: Invitae Variant Classification Sherloc (09022015). Collection method: clinical testing. Allele origin: germline.
Comment: In summary, the available evidence is currently insufficient to determine the role of this variant in disease. Therefore, it has been classified as a Variant of Uncertain Significance. Variants that disrupt the consensus splice site are a relatively common cause of aberrant splicing (PMID: 17576681, 9536098). Algorithms developed to predict the effect of sequence changes on RNA splicing suggest that this variant is not likely to affect RNA splicing. This variant has not been reported in the literature in individuals affected with POLD2-related conditions. This variant is not present in population databases (gnomAD no frequency). This sequence change falls in intron 2 of the POLD2 gene. It does not directly change the encoded amino acid sequence of the POLD2 protein. It affects a nucleotide within the consensus splice site.

Literature cited by the submitters: PubMed 17576681; PubMed 9536098.